The following is an entry in ClinVar:

ClinVar aggregate classification (germline): Uncertain significance (1 of 4 stars; one submission).

Allele frequency attached by ClinVar (database versions not stated): gnomAD 0.00003; TOPMed 0.00007; ExAC 0.00028.
gnomAD v4.1: 83 of 1,601,212 alleles (0.0052%); highest among the groups gnomAD compares: East Asian, 0.043%; 1 homozygote.

Submission:

Ambry Genetics
Classification: Uncertain significance. Last evaluated: 2024-11-17. Review status: criteria provided, single submitter. Criteria: Ambry Variant Classification Scheme 2023. Collection method: clinical testing. Allele origin: germline.
Comment: The p.S40T variant (also known as c.119G>C), located in coding exon 1 of the POLQ gene, results from a G to C substitution at nucleotide position 119. The serine at codon 40 is replaced by threonine, an amino acid with similar properties. This amino acid position is conserved. In addition, this alteration is predicted to be tolerated by in silico analysis. Since supporting evidence is limited at this time, the clinical significance of this alteration remains unclear.

NM_199420.4(POLQ):c.119G>C (p.Ser40Thr)

Genes: POLQ (DNA polymerase theta; minus strand), LOC112872292 (Sharpr-MPRA regulatory region 30; plus strand). Cytogenetic location: 3q13.33.
Variant type: single nucleotide variant.
Coding change: c.119G>C on transcript NM_199420.4 (MANE Select); coding-DNA position 119, G replaced by C.
Protein change: p.Ser40Thr; replaces serine 40 with threonine.
Molecular consequence: missense variant.
Genome position (GRCh38, 1-based): chr3:121,545,759, C>G on the plus strand (G>C on the coding strand, the complement: POLQ is on the minus strand). VCF-style: chr3-121545759-C-G. GRCh37 (hg19) VCF-style: chr3-121264606-C-G.
Other names: short protein forms S40T.
Identifiers: ClinVar variation 3229820 (VCV003229820.2), dbSNP rs762118984, ClinGen allele CA2563916.